The following is an entry in ClinVar:

ClinVar aggregate classification (germline): Uncertain significance (1 of 4 stars; one submission).

gnomAD v4.1: 7 of 1,614,196 alleles (0.00043%); highest among the groups gnomAD compares: South Asian, 0.0033%; no homozygotes.

Submission:

Labcorp Genetics (formerly Invitae), Labcorp
Classification: Uncertain significance. Last evaluated: 2024-03-16. Review status: criteria provided, single submitter. Criteria: Invitae Variant Classification Sherloc (09022015). Collection method: clinical testing. Allele origin: germline.
Comment: This sequence change replaces proline, which is neutral and non-polar, with threonine, which is neutral and polar, at codon 839 of the CSF2RB protein (p.Pro839Thr). This variant is present in population databases (no rsID available, gnomAD 0.003%). This variant has not been reported in the literature in individuals affected with CSF2RB-related conditions. Advanced modeling of protein sequence and biophysical properties (such as structural, functional, and spatial information, amino acid conservation, physicochemical variation, residue mobility, and thermodynamic stability) performed at Invitae indicates that this missense variant is expected to disrupt CSF2RB protein function with a positive predictive value of 80%. In summary, the available evidence is currently insufficient to determine the role of this variant in disease. Therefore, it has been classified as a Variant of Uncertain Significance.

NM_000395.3(CSF2RB):c.2515C>A (p.Pro839Thr)

Gene: CSF2RB (colony stimulating factor 2 receptor subunit beta; plus strand). Cytogenetic location: 22q12.3.
Variant type: single nucleotide variant.
Coding change: c.2515C>A on transcript NM_000395.3 (MANE Select); coding-DNA position 2515, C replaced by A.
Protein change: p.Pro839Thr; replaces proline 839 with threonine.
Molecular consequence: missense variant.
Genome position (GRCh38, 1-based): chr22:36,938,323, C>A. VCF-style: chr22-36938323-C-A. GRCh37 (hg19) VCF-style: chr22-37334365-C-A.
Other names: c.2533C>A, p.Pro845Thr (NM_001410827.1); short protein forms P839T, P845T.
Identifiers: ClinVar variation 3021101 (VCV003021101.3), dbSNP rs1008678561, ClinGen allele CA324005556.
Genomic context (GRCh38, chr22:36,938,323, plus strand): 5'-GTGGGCGACTATTGCTTCCTCCCCGGCCTGGGGCCCGGCCCTCTCTCGCTCCGGAGTAAA[C>A]CTTCTTCCCCGGGACCCGGTCCTGAGATCAAGAACCTAGACCAGGCTTTTCAAGTCAAGA-3'
Protein context (NP_000386.1, residues 829-849): GPGPLSLRSK[Pro839Thr]SSPGPGPEIK